The following is an entry in ClinVar:

ClinVar aggregate classification (germline): Uncertain significance (1 of 4 stars; one submission).

Conditions:
Tietz syndrome (TADS). Also called: HYPOPIGMENTATION/DEAFNESS OF TIETZ; TIETZ ALBINISM-DEAFNESS SYNDROME; ALBINISM-DEAFNESS OF TIETZ. Identifiers: Orphanet 42665, MedGen C0391816, MONDO:0007077, OMIM 103500.
Waardenburg syndrome type 2A (WS2A). Also called: WAARDENBURG SYNDROME WITHOUT DYSTOPIA CANTHORUM. Identifiers: Orphanet 3440, MedGen C1860339, MONDO:0008671, OMIM 193510.
Melanoma, cutaneous malignant, susceptibility to, 8. Also called: MELANOMA AND RENAL CELL CARCINOMA, SUSCEPTIBILITY TO; Cutaneous malignant melanoma 8. Identifiers: Orphanet 293822, MedGen C3152204, MONDO:0013759, OMIM 614456.

gnomAD v4.1: 5 of 1,614,130 alleles (0.00031%); highest among the groups gnomAD compares: East Asian, 0.011%; no homozygotes.

Submission:

Labcorp Genetics (formerly Invitae), Labcorp
Classification: Uncertain significance for Melanoma, cutaneous malignant, susceptibility to, 8; Waardenburg syndrome type 2A; Tietz syndrome. Last evaluated: 2024-08-22. Review status: criteria provided, single submitter. Criteria: Invitae Variant Classification Sherloc (09022015). Collection method: clinical testing. Allele origin: germline.
Comment: This sequence change replaces leucine, which is neutral and non-polar, with valine, which is neutral and non-polar, at codon 341 of the MITF protein (p.Leu341Val). This variant is not present in population databases (gnomAD no frequency). This variant has not been reported in the literature in individuals affected with MITF-related conditions. Invitae Evidence Modeling of protein sequence and biophysical properties (such as structural, functional, and spatial information, amino acid conservation, physicochemical variation, residue mobility, and thermodynamic stability) indicates that this missense variant is not expected to disrupt MITF protein function with a negative predictive value of 80%. In summary, the available evidence is currently insufficient to determine the role of this variant in disease. Therefore, it has been classified as a Variant of Uncertain Significance.

NM_001354604.2(MITF):c.1342C>G (p.Leu448Val)

Gene: MITF (melanocyte inducing transcription factor; plus strand). Cytogenetic location: 3p13.
Variant type: single nucleotide variant.
Coding change: c.1342C>G on transcript NM_001354604.2 (MANE Select); coding-DNA position 1342, C replaced by G.
Protein change: p.Leu448Val; replaces leucine 448 with valine.
Molecular consequence: missense variant.
Genome position (GRCh38, 1-based): chr3:69,965,009, C>G. VCF-style: chr3-69965009-C-G. GRCh37 (hg19) VCF-style: chr3-70014160-C-G.
Other names: c.1021C>G, p.Leu341Val (NM_000248.4); c.1168C>G, p.Leu390Val (NM_001184967.2, NM_001354608.2); c.1339C>G, p.Leu447Val (NM_001354605.2); c.1321C>G, p.Leu441Val (NM_001354606.2, NM_006722.3); c.1273C>G, p.Leu425Val (NM_001354607.2); c.1003C>G, p.Leu335Val (NM_198158.3); c.1324C>G, p.Leu442Val (NM_198159.3); c.1276C>G, p.Leu426Val (NM_198177.3); and 1 more; short protein forms L279V, L335V, L341V, L390V, L425V, L426V, L441V, L442V.
Identifiers: ClinVar variation 3755670 (VCV003755670.2).